The following is an entry in ClinVar:

ClinVar aggregate classification (germline): not provided (0 of 4 stars; one submission).

Allele frequency attached by ClinVar (database versions not stated): gnomAD exomes 0.00001; ExAC 0.00002.
gnomAD v4.1: 12 of 1,614,216 alleles (0.00074%); highest among the groups gnomAD compares: South Asian, 0.013%; 1 homozygote.

Submission:

ITMI
No classification provided. Condition: AllHighlyPenetrant. Last evaluated: 2013-09-19. Review status: no classification provided. Collection method: reference population. Allele origin: germline.
Comment: Please see associated publication for description of ethnicities

Literature cited by the submitters: PubMed 24728327.

NM_001198.4(PRDM1):c.502C>G (p.Pro168Ala)

Gene: PRDM1 (PR/SET domain 1; plus strand). Cytogenetic location: 6q21.
Variant type: single nucleotide variant.
Coding change: c.502C>G on transcript NM_001198.4 (MANE Select); coding-DNA position 502, C replaced by G.
Protein change: p.Pro168Ala; replaces proline 168 with alanine.
Molecular consequence: missense variant.
Genome position (GRCh38, 1-based): chr6:106,099,390, C>G. VCF-style: chr6-106099390-C-G. GRCh37 (hg19) VCF-style: chr6-106547265-C-G.
Other names: c.100C>G, p.Pro34Ala (NM_182907.3); short protein forms P168A, P34A.
Identifiers: ClinVar variation 135075 (VCV000135075.1), dbSNP rs587778623, ClinGen allele CA161616.